The following is an entry in ClinVar:

NM_001375524.1(TRRAP):c.1207G>A (p.Ala403Thr)

Gene: TRRAP (transformation/transcription domain associated protein; plus strand). Cytogenetic location: 7q22.1.
Variant type: single nucleotide variant.
Coding change: c.1207G>A on transcript NM_001375524.1 (MANE Select); coding-DNA position 1207, G replaced by A.
Protein change: p.Ala403Thr; replaces alanine 403 with threonine.
Molecular consequence: missense variant.
Genome position (GRCh38, 1-based): chr7:98,908,819, G>A. VCF-style: chr7-98908819-G-A. GRCh37 (hg19) VCF-style: chr7-98506442-G-A.
Other names: c.1207G>A, p.Ala403Thr (NM_001244580.2, NM_003496.4); short protein forms A403T.
Identifiers: ClinVar variation 2355046 (VCV002355046.3), dbSNP rs201549857, ClinGen allele CA4359464.

ClinVar aggregate classification (germline): Uncertain significance. Review status: criteria provided, multiple submitters, no conflicts (2 of 4 stars). 2 submissions from 2 submitters: Uncertain significance (2). Last evaluated 2023-05-18.

Conditions:
Inborn genetic diseases. Identifiers: MedGen C0950123, MeSH D030342.

Allele frequency attached by ClinVar (database versions not stated): gnomAD exomes 0.00002; gnomAD 0.00004; ExAC 0.00007; 1000 Genomes Project 30x 0.00031; 1000 Genomes Project 0.00040.
gnomAD v4.1: 31 of 1,611,204 alleles (0.0019%); highest among the groups gnomAD compares: East Asian, 0.031%; no homozygotes.

Submissions (2):

Labcorp Genetics (formerly Invitae), Labcorp
Classification: Uncertain significance. Last evaluated: 2023-05-18. Review status: criteria provided, single submitter. Criteria: Invitae Variant Classification Sherloc (09022015). Collection method: clinical testing. Allele origin: germline.
Comment: In summary, the available evidence is currently insufficient to determine the role of this variant in disease. Therefore, it has been classified as a Variant of Uncertain Significance. Advanced modeling of protein sequence and biophysical properties (such as structural, functional, and spatial information, amino acid conservation, physicochemical variation, residue mobility, and thermodynamic stability) performed at Invitae indicates that this missense variant is not expected to disrupt TRRAP protein function. ClinVar contains an entry for this variant (Variation ID: 2355046). This variant has not been reported in the literature in individuals affected with TRRAP-related conditions. This variant is present in population databases (rs201549857, gnomAD 0.02%). This sequence change replaces alanine, which is neutral and non-polar, with threonine, which is neutral and polar, at codon 403 of the TRRAP protein (p.Ala403Thr).

Ambry Genetics
Classification: Uncertain significance for Inborn genetic diseases. Last evaluated: 2021-10-29. Review status: criteria provided, single submitter. Criteria: Ambry Variant Classification Scheme 2023. Collection method: clinical testing. Allele origin: germline.